The following is an entry in ClinVar:

ClinVar aggregate classification (germline): Benign/Likely benign. Review status: criteria provided, multiple submitters, no conflicts (2 of 4 stars). 6 submissions from 6 submitters: Benign (2); Likely benign (3). 1 of the submissions does not count toward it. Last evaluated 2025-12-17.

Conditions:
LPIN1-related disorder. Also called: LPIN1-related condition.
Myoglobinuria, acute recurrent, autosomal recessive. Also called: MYOGLOBINURIA, FAMILIAL PAROXYSMAL PARALYTIC; RHABDOMYOLYSIS, ACUTE RECURRENT; Myoglobinuria, recurrent, autosomal recessive. Identifiers: Orphanet 99845, MedGen C1849386, MONDO:0009992, OMIM 268200.

Allele frequency attached by ClinVar (database versions not stated): ExAC 0.00070; 1000 Genomes Project 0.00280; gnomAD exomes 0.00018 and 0.00056; ESP Exome Variant Server 0.00300; gnomAD 0.00210 and 0.00221; 1000 Genomes Project 30x 0.00281; TOPMed 0.00210.
gnomAD v4.1: 584 of 1,613,072 alleles (0.036%); highest among the groups gnomAD compares: African/African-American, 0.72%; 1 homozygote.

Submissions (6):

Labcorp Genetics (formerly Invitae), Labcorp
Classification: Benign. Last evaluated: 2025-12-17. Review status: criteria provided, single submitter. Criteria: Invitae Variant Classification Sherloc (09022015). Collection method: clinical testing. Allele origin: germline.

Mayo Clinic Laboratories, Mayo Clinic
Classification: Benign. Last evaluated: 2024-10-15. Review status: criteria provided, single submitter. Criteria: ACMG Guidelines, 2015. Collection method: clinical testing. Allele origin: germline. Observed: 4 variant alleles.
Comment: BA1, BP4, BP7

Fulgent Genetics
Classification: Likely benign for Myoglobinuria, acute recurrent, autosomal recessive. Last evaluated: 2021-10-01. Review status: criteria provided, single submitter. Criteria: ACMG Guidelines, 2015. Collection method: clinical testing. Allele origin: unknown.

GeneDx
Classification: Likely benign. Last evaluated: 2019-12-03. Review status: criteria provided, single submitter. Criteria: GeneDx Variant Classification Process June 2021. Collection method: clinical testing. Allele origin: germline. Affected: yes.

Breakthrough Genomics
Classification: Likely benign. Review status: criteria provided, single submitter. Criteria: ACMG Guidelines, 2015. Collection method: not provided. Allele origin: germline. Inheritance: Autosomal recessive inheritance. Affected: yes.

PreventionGenetics, part of Exact Sciences
Classification: Benign for LPIN1-related condition. Last evaluated: 2019-12-31. Review status: no assertion criteria provided. Collection method: clinical testing. Allele origin: germline. Not counted in ClinVar's aggregate classification.
Comment: This variant is classified as benign based on ACMG/AMP sequence variant interpretation guidelines (Richards et al. 2015 PMID: 25741868, with internal and published modifications).

NM_001349206.2(LPIN1):c.2595G>A (p.Gln865=)

Gene: LPIN1 (lipin 1; plus strand). Cytogenetic location: 2p25.1.
Variant type: single nucleotide variant.
Coding change: c.2595G>A on transcript NM_001349206.2 (MANE Select); coding-DNA position 2595, G replaced by A.
Protein change: p.Gln865=; no amino-acid change (glutamine 865 retained).
Molecular consequence: synonymous variant. On other transcripts: non-coding transcript variant (1).
Genome position (GRCh38, 1-based): chr2:11,820,488, G>A. VCF-style: chr2-11820488-G-A. GRCh37 (hg19) VCF-style: chr2-11960614-G-A.
Other names: p.Gln829=; c.2505G>A, p.Gln835= (NM_001261427.3); c.2742G>A, p.Gln914= (NM_001261428.3); c.2487G>A, p.Gln829= (NM_001349199.2, NM_145693.4); c.2565G>A, p.Gln855= (NM_001349200.2, NM_001349201.2); c.2592G>A, p.Gln864= (NM_001349202.2, NM_001349203.2); c.2595G>A, p.Gln865= (NM_001349204.2, NM_001349205.2); c.2685G>A, p.Gln895= (NM_001349207.2); and 1 more.
Identifiers: ClinVar variation 262592 (VCV000262592.16), dbSNP rs139089077, ClinGen allele CA1534137.
Genomic context (GRCh38, chr2:11,820,488, plus strand): 5'-GCAAGTAGGAGTGTCTTTGAATAGAATATTTACCGTCAACCCTAAAGGAGAGCTGGTACA[G>A]GAACATGCAAAGACCAACATCTCTTCGTGAGTATTGTACACATTTTATGTGATTATGATA-3'
Protein context (NP_001336135.1, residues 855-875): FTVNPKGELV[Gln865=]EHAKTNISSY